The following is an entry in ClinVar:

ClinVar aggregate classification (germline): Pathogenic (1 of 4 stars; one submission).

Submission:

GeneDx
Classification: Pathogenic. Last evaluated: 2017-08-17. Review status: criteria provided, single submitter. Criteria: GeneDx Variant Classification (06012015). Collection method: clinical testing. Allele origin: germline. Affected: yes.
Comment: The c.494dupA pathogenic variant in the ZIC2 gene causes a frameshift starting with codon Histidine 166, changes this amino acid to a Alanine residue and creates a premature Stop codon at position 201 of the new reading frame, denoted p.His166AlafsX201. This pathogenic variant is predicted to cause loss of normal protein function either through protein truncation or nonsense-mediated mRNA decay. The c.494dupA variant is not observed in large population cohorts (Lek et al., 2016; 1000 Genomes Consortium et al., 2015; Exome Variant Server). Although this pathogenic variant has not been previously reported to our knowledge, its presence is consistent with the diagnosis of holoprosencephaly.

NM_007129.5(ZIC2):c.494dup (p.His166fs)

Gene: ZIC2 (Zic family member 2; plus strand). Cytogenetic location: 13q32.3.
Variant type: Duplication.
Coding change: c.494dup on transcript NM_007129.5 (MANE Select); coding-DNA position 494, one base duplicated (A; older notation c.494dupA).
Protein change: p.His166fs; shifts the reading frame from histidine 166.
Molecular consequence: frameshift variant.
Genome position (GRCh38, 1-based): chr13:99,982,558, A duplicated. VCF-style (leftmost placement, unchanged base first): chr13-99982557-C-CA. GRCh37 (hg19) VCF-style: chr13-100634811-C-CA.
Other names: short protein forms H166fs.
Identifiers: ClinVar variation 451180 (VCV000451180.2), dbSNP rs1555332225, ClinGen allele CA658658237.